The following is an entry in ClinVar:

ClinVar aggregate classification (germline): Uncertain significance (1 of 4 stars; one submission).

gnomAD v4.1: 4 of 1,540,272 alleles (0.00026%); highest among the groups gnomAD compares: Admixed American, 0.004%; no homozygotes.

Submission:

GeneDx
Classification: Uncertain significance. Last evaluated: 2022-11-28. Review status: criteria provided, single submitter. Criteria: GeneDx Variant Classification Process June 2021. Collection method: clinical testing. Allele origin: germline. Affected: yes.
Comment: In silico analysis supports that this missense variant does not alter protein structure/function; Has not been previously published as pathogenic or benign to our knowledge; This variant is associated with the following publications: (PMID: 35085982)

NM_006015.6(ARID1A):c.630C>G (p.His210Gln)

Genes: ARID1A (AT-rich interaction domain 1A; plus strand), LOC129929837 (ATAC-STARR-seq lymphoblastoid silent region 489; plus strand). Cytogenetic location: 1p36.11.
Variant type: single nucleotide variant.
Coding change: c.630C>G on transcript NM_006015.6 (MANE Select); coding-DNA position 630, C replaced by G.
Protein change: p.His210Gln; replaces histidine 210 with glutamine.
Molecular consequence: missense variant.
Genome position (GRCh38, 1-based): chr1:26,697,033, C>G. VCF-style: chr1-26697033-C-G. GRCh37 (hg19) VCF-style: chr1-27023524-C-G.
Other names: c.630C>G, p.His210Gln (NM_139135.4); short protein forms H210Q.
Identifiers: ClinVar variation 1803512 (VCV001803512.1), dbSNP rs763109453, ClinGen allele CA339265867.
Genomic context (GRCh38, chr1:26,697,033, plus strand): 5'-GGGCCTGGAGCCCTACGCGGGGCCCCAGCAGAACTCTCACGACCACGGCTTCCCCAACCA[C>G]CAGTACAACTCCTACTACCCCAACCGCAGCGCCTACCCCCCGCCCGCCCCGGCCTACGCG-3'
Protein context (NP_006006.3, residues 200-220): QNSHDHGFPN[His210Gln]QYNSYYPNRS